The following is an entry in ClinVar:

NM_024496.4(IRF2BPL):c.288_301del (p.Ala97fs)

Genes: IRF2BPL (interferon regulatory factor 2 binding protein like; minus strand), LOC107984638 (uncharacterized LOC107984638; plus strand). Cytogenetic location: 14q24.3.
Variant type: Deletion.
Coding change: c.288_301del on transcript NM_024496.4 (MANE Select); coding-DNA positions 288 to 301, 14 bases deleted (GGCCGCCGCCGCCG).
Protein change: p.Ala97fs; shifts the reading frame from alanine 97.
Molecular consequence: frameshift variant. On other transcripts: non-coding transcript variant (3).
Genome position (GRCh38, 1-based): chr14:77,027,492-77,027,505, CGGCGGCGGCGGCC deleted on the plus strand (GGCCGCCGCCGCCG on the coding strand, the reverse complement: IRF2BPL is on the minus strand). VCF-style (leftmost placement, unchanged base first): chr14-77027491-GCGGCGGCGGCGGCC-G. GRCh37 (hg19) VCF-style: chr14-77493834-GCGGCGGCGGCGGCC-G.
Other names: short protein forms A97fs.
Identifiers: ClinVar variation 4823324 (VCV004823324.4).

ClinVar aggregate classification (germline): Likely pathogenic (1 of 4 stars; one submission).

Submission:

CeGaT Center for Human Genetics Tuebingen
Classification: Likely pathogenic. Last evaluated: 2026-03-01. Review status: criteria provided, single submitter. Criteria: CeGaT Center For Human Genetics Tuebingen Variant Classification Criteria Version 2. Collection method: clinical testing. Allele origin: germline. Affected: yes. Observed: 1 variant allele.
Comment: IRF2BPL: PVS1:Strong, PM2, PS2:Supporting